The following is an entry in ClinVar:

NM_057175.5(NAA15):c.1549G>C (p.Glu517Gln)

Gene: NAA15 (N-alpha-acetyltransferase 15, NatA auxiliary subunit; plus strand). Cytogenetic location: 4q31.1.
Variant type: single nucleotide variant.
Coding change: c.1549G>C on transcript NM_057175.5 (MANE Select); coding-DNA position 1549, G replaced by C.
Protein change: p.Glu517Gln; replaces glutamic acid 517 with glutamine.
Molecular consequence: missense variant.
Genome position (GRCh38, 1-based): chr4:139,361,733, G>C. VCF-style: chr4-139361733-G-C. GRCh37 (hg19) VCF-style: chr4-140282887-G-C.
Other names: c.1549G>C, p.Glu517Gln (NM_001410842.1); short protein forms E517Q.
Identifiers: ClinVar variation 1708255 (VCV001708255.2), dbSNP rs2530421661, ClinGen allele CA358268072.

ClinVar aggregate classification (germline): Likely pathogenic (1 of 4 stars; one submission).

Conditions:
Intellectual developmental disorder, autosomal dominant 50, with behavioral abnormalities. Also called: Intellectual disability, autosomal dominant 50; MENTAL RETARDATION, AUTOSOMAL DOMINANT 50. Identifiers: MedGen C4540470, MONDO:0030916, OMIM 617787.

Submission:

Genetics Laboratory, UDIAT-Centre Diagnòstic, Hospital Universitari Parc Tauli
Classification: Likely pathogenic for Intellectual developmental disorder, autosomal dominant 50, with behavioral abnormalities. Last evaluated: 2022-10-04. Review status: criteria provided, single submitter. Criteria: Parc Tauli Hospital Assertion Criteria 2021. Collection method: clinical testing. Allele origin: de novo. Inheritance: Autosomal dominant inheritance. Affected: yes.
Comment: PM6;PM2;PP2;PP3